The following is an entry in ClinVar:

NC_000006.11:g.(?_111901380)_(111913289_?)dup

Genes: TRAF3IP2 (TRAF3 interacting protein 2; minus strand), TRAF3IP2-AS1 (TRAF3IP2 antisense RNA 1; plus strand). Cytogenetic location: 6q21.
Variant type: Duplication.
Identifiers: ClinVar variation 2427349 (VCV002427349.4).

ClinVar aggregate classification (germline): Uncertain significance (1 of 4 stars; one submission).

Conditions:
Candidiasis, familial, 8 (CANDF8). Identifiers: Orphanet 1334, MedGen C3714992, MONDO:0014230, OMIM 615527.

Submission:

Labcorp Genetics (formerly Invitae), Labcorp
Classification: Uncertain significance for Candidiasis, familial, 8. Last evaluated: 2022-10-13. Review status: criteria provided, single submitter. Criteria: Invitae Variant Classification Sherloc (09022015). Collection method: clinical testing. Allele origin: germline.
Comment: In summary, the available evidence is currently insufficient to determine the role of this variant in disease. Therefore, it has been classified as a Variant of Uncertain Significance. Experimental studies and prediction algorithms are not available or were not evaluated, and the functional significance of this variant is currently unknown. This variant has not been reported in the literature in individuals affected with TRAF3IP2-related conditions. This variant results in a copy number gain of the genomic region encompassing exon(s) 2-3 of the TRAF3IP2 gene. This region includes the initiator codon of the gene. This copy number gain extends beyond the assayed region for this gene and therefore may encompass additional genes. As the precise location of this event is unknown, it may be in tandem or it may be located elsewhere in the genome.